The following is an entry in ClinVar:

NM_020921.4(NIN):c.5188T>C (p.Leu1730=)

Gene: NIN (ninein; minus strand). Cytogenetic location: 14q22.1.
Variant type: single nucleotide variant.
Coding change: c.5188T>C on transcript NM_020921.4 (MANE Select); coding-DNA position 5188, T replaced by C.
Protein change: p.Leu1730=; no amino-acid change (leucine 1730 retained).
Molecular consequence: synonymous variant.
Genome position (GRCh38, 1-based): chr14:50,743,529, A>G on the plus strand (T>C on the coding strand, the complement: NIN is on the minus strand). VCF-style: chr14-50743529-A-G. GRCh37 (hg19) VCF-style: chr14-51210247-A-G.
Other names: c.3049T>C, p.Leu1017= (NM_016350.5); c.5188T>C, p.Leu1730= (NM_182944.3, NM_182946.2).
Identifiers: ClinVar variation 211615 (VCV000211615.17), dbSNP rs61741547, ClinGen allele CA206794.

ClinVar aggregate classification (germline): Conflicting classifications of pathogenicity. Review status: criteria provided, conflicting classifications (1 of 4 stars). 3 submissions from 3 submitters: Uncertain significance (1); Benign (1). 1 of the submissions does not count toward it. Last evaluated 2026-01-26.

Conditions:
NIN-related disorder. Also called: NIN-related condition.

Allele frequency attached by ClinVar (database versions not stated): gnomAD exomes 0.00166; ExAC 0.00216; 1000 Genomes Project 0.00579; gnomAD 0.00701 and 0.00749; 1000 Genomes Project 30x 0.00718; TOPMed 0.00780; ESP Exome Variant Server 0.00900.
gnomAD v4.1: 2,030 of 1,606,684 alleles (0.13%); highest among the groups gnomAD compares: African/African-American, 2.5%; 36 homozygotes.

Submissions (3):

Labcorp Genetics (formerly Invitae), Labcorp
Classification: Benign. Last evaluated: 2026-01-26. Review status: criteria provided, single submitter. Criteria: Invitae Variant Classification Sherloc (09022015). Collection method: clinical testing. Allele origin: germline.

Genetic Services Laboratory, University of Chicago
Classification: Uncertain significance. Last evaluated: 2014-09-18. Review status: criteria provided, single submitter. Criteria: ACMG Guidelines, 2015. Collection method: clinical testing. Allele origin: germline.

PreventionGenetics, part of Exact Sciences
Classification: Benign for NIN-related condition. Last evaluated: 2019-04-04. Review status: no assertion criteria provided. Collection method: clinical testing. Allele origin: germline. Not counted in ClinVar's aggregate classification.
Comment: This variant is classified as benign based on ACMG/AMP sequence variant interpretation guidelines (Richards et al. 2015 PMID: 25741868, with internal and published modifications).